The following is an entry in ClinVar:

NM_001130009.3(GEN1):c.2170C>T (p.Pro724Ser)

Gene: GEN1 (GEN1 Holliday junction 5' flap endonuclease; plus strand). Cytogenetic location: 2p24.2.
Variant type: single nucleotide variant.
Coding change: c.2170C>T on transcript NM_001130009.3 (MANE Select); coding-DNA position 2170, C replaced by T.
Protein change: p.Pro724Ser; replaces proline 724 with serine.
Molecular consequence: missense variant.
Genome position (GRCh38, 1-based): chr2:17,781,382, C>T. VCF-style: chr2-17781382-C-T. GRCh37 (hg19) VCF-style: chr2-17962649-C-T.
Other names: c.2170C>T, p.Pro724Ser (NM_182625.5); short protein forms P724S.
Identifiers: ClinVar variation 3853616 (VCV003853616.1).
Genomic context (GRCh38, chr2:17,781,382, plus strand): 5'-AAAGAATCTTGTATTGCTAACAGTGGTTCTGATTGTACATCACATCTTTCAAAGGATCTT[C>T]CAGGAATTCCCTTGCAAAATGAATCCAGAGACTCTAAAATTCTAAAAGGAGACCAGCTGC-3'
Protein context (NP_001123481.3, residues 714-734): DCTSHLSKDL[Pro724Ser]GIPLQNESRD

ClinVar aggregate classification (germline): Uncertain significance (1 of 4 stars; one submission).

gnomAD v4.1: 3 of 1,613,842 alleles (0.00019%); highest among the groups gnomAD compares: Non-Finnish European, 0.00017%; no homozygotes.

Submission:

Ambry Genetics
Classification: Uncertain significance. Last evaluated: 2025-03-07. Review status: criteria provided, single submitter. Criteria: Ambry Variant Classification Scheme 2023. Collection method: clinical testing. Allele origin: germline.
Comment: The p.P724S variant (also known as c.2170C>T), located in coding exon 13 of the GEN1 gene, results from a C to T substitution at nucleotide position 2170. The proline at codon 724 is replaced by serine, an amino acid with similar properties. This amino acid position is conserved. In addition, this alteration is predicted to be tolerated by in silico analysis. Based on the available evidence, the clinical significance of this variant remains unclear.